The following is an entry in ClinVar:

ClinVar aggregate classification (germline): Uncertain significance (1 of 4 stars; one submission).

Allele frequency attached by ClinVar (database versions not stated): gnomAD exomes below 0.00001.
gnomAD v4.1: 1 of 1,594,010 alleles (0.000063%); highest among the groups gnomAD compares: Non-Finnish European, 0.000085%; no homozygotes.

Submission:

Ambry Genetics
Classification: Uncertain significance. Last evaluated: 2023-04-20. Review status: criteria provided, single submitter. Criteria: Ambry Variant Classification Scheme 2023. Collection method: clinical testing. Allele origin: germline.
Comment: The c.1365G>T (p.E455D) alteration is located in exon (coding exon ) of the SH3RF3 gene. This alteration results from a G to T substitution at nucleotide position 1365, causing the glutamic acid (E) at amino acid position 455 to be replaced by an aspartic acid (D). Based on insufficient or conflicting evidence, the clinical significance of this alteration remains unclear.

NM_001099289.3(SH3RF3):c.1365G>T (p.Glu455Asp)

Genes: RANBP2 (RAN binding protein 2; plus strand), SH3RF3 (SH3 domain containing ring finger 3; plus strand). Cytogenetic location: 2q13.
Variant type: single nucleotide variant.
Coding change: c.1365G>T on transcript NM_001099289.3 (MANE Select); coding-DNA position 1365, G replaced by T.
Protein change: p.Glu455Asp; replaces glutamic acid 455 with aspartic acid.
Molecular consequence: missense variant.
Genome position (GRCh38, 1-based): chr2:109,419,604, G>T. VCF-style: chr2-109419604-G-T. GRCh37 (hg19) VCF-style: chr2-110036060-G-T.
Other names: short protein forms E455D.
Identifiers: ClinVar variation 2539685 (VCV002539685.2), dbSNP rs2467161625, ClinGen allele CA348065006.